The following is an entry in ClinVar:

ClinVar aggregate classification (germline): Uncertain significance (1 of 4 stars; one submission).

Submission:

Labcorp Genetics (formerly Invitae), Labcorp
Classification: Uncertain significance. Last evaluated: 2025-10-27. Review status: criteria provided, single submitter. Criteria: Invitae Variant Classification Sherloc (09022015). Collection method: clinical testing. Allele origin: germline.
Comment: This sequence change replaces isoleucine, which is neutral and non-polar, with asparagine, which is neutral and polar, at codon 1086 of the EYS protein (p.Ile1086Asn). This variant is not present in population databases (gnomAD no frequency). This variant has not been reported in the literature in individuals affected with EYS-related conditions. Invitae Evidence Modeling of protein sequence and biophysical properties (such as structural, functional, and spatial information, amino acid conservation, physicochemical variation, residue mobility, and thermodynamic stability) indicates that this missense variant is not expected to disrupt EYS protein function with a negative predictive value of 80%. In summary, the available evidence is currently insufficient to determine the role of this variant in disease. Therefore, it has been classified as a Variant of Uncertain Significance.

NM_001142800.2(EYS):c.3257T>A (p.Ile1086Asn)

Gene: EYS (EGF-like photoreceptor maintenance factor; minus strand). Cytogenetic location: 6q12.
Variant type: single nucleotide variant.
Coding change: c.3257T>A on transcript NM_001142800.2 (MANE Select); coding-DNA position 3257, T replaced by A.
Protein change: p.Ile1086Asn; replaces isoleucine 1086 with asparagine.
Molecular consequence: missense variant.
Genome position (GRCh38, 1-based): chr6:64,813,564, A>T on the plus strand (T>A on the coding strand, the complement: EYS is on the minus strand). VCF-style: chr6-64813564-A-T. GRCh37 (hg19) VCF-style: chr6-65523457-A-T.
Other names: c.3257T>A, p.Ile1086Asn (NM_001292009.2); short protein forms I1086N.
Identifiers: ClinVar variation 4801367 (VCV004801367.1).